The following is an entry in ClinVar:

NM_001353694.2(TIAM1):c.1611C>T (p.Asn537=)

Gene: TIAM1 (TIAM Rac1 associated GEF 1; minus strand). Cytogenetic location: 21q22.11.
Variant type: single nucleotide variant.
Coding change: c.1611C>T on transcript NM_001353694.2 (MANE Select); coding-DNA position 1611, C replaced by T.
Protein change: p.Asn537=; no amino-acid change (asparagine 537 retained).
Molecular consequence: synonymous variant.
Genome position (GRCh38, 1-based): chr21:31,225,924, G>A on the plus strand (C>T on the coding strand, the complement: TIAM1 is on the minus strand). VCF-style: chr21-31225924-G-A. GRCh37 (hg19) VCF-style: chr21-32598240-G-A.
Other names: c.1611C>T, p.Asn537= (NM_001353686.2, NM_001353687.2, NM_001353688.1 and 6 more transcripts).
Identifiers: ClinVar variation 3039933 (VCV003039933.3), dbSNP rs146784461, ClinGen allele CA9998388.

ClinVar aggregate classification (germline): Likely benign. Review status: criteria provided, single submitter (1 of 4 stars). 2 submissions from 2 submitters: Likely benign (1). 1 of the submissions does not count toward it. Last evaluated 2024-10-15.

Conditions:
TIAM1-related disorder. Also called: TIAM1-related condition.

Allele frequency attached by ClinVar (database versions not stated): gnomAD exomes 0.00023; ExAC 0.00061; gnomAD 0.00165; 1000 Genomes Project 0.00180; TOPMed 0.00216; ESP Exome Variant Server 0.00223; 1000 Genomes Project 30x 0.00250.
gnomAD v4.1: 600 of 1,614,140 alleles (0.037%); highest among the groups gnomAD compares: African/African-American, 0.52%; 1 homozygote.

Submissions (2):

Blueprint Genetics
Classification: Likely benign. Last evaluated: 2024-10-15. Review status: criteria provided, single submitter. Criteria: ACMG Guidelines, 2015. Collection method: clinical testing. Allele origin: germline.

PreventionGenetics, part of Exact Sciences
Classification: Likely benign for TIAM1-related condition. Last evaluated: 2024-06-26. Review status: no assertion criteria provided. Collection method: clinical testing. Allele origin: germline. Not counted in ClinVar's aggregate classification.
Comment: This variant is classified as likely benign based on ACMG/AMP sequence variant interpretation guidelines (Richards et al. 2015 PMID: 25741868, with internal and published modifications).